The following is an entry in ClinVar:

NM_001170629.2(CHD8):c.6860A>G (p.Lys2287Arg)

Genes: CHD8 (chromodomain helicase DNA binding protein 8; minus strand), LOC126861888 (CDK7 strongly-dependent group 2 enhancer GRCh37_chr14:21859227-21860426; plus strand). Cytogenetic location: 14q11.2.
Variant type: single nucleotide variant.
Coding change: c.6860A>G on transcript NM_001170629.2 (MANE Select); coding-DNA position 6860, A replaced by G.
Protein change: p.Lys2287Arg; replaces lysine 2287 with arginine.
Molecular consequence: missense variant.
Genome position (GRCh38, 1-based): chr14:21,391,858, T>C on the plus strand (A>G on the coding strand, the complement: CHD8 is on the minus strand). VCF-style: chr14-21391858-T-C. GRCh37 (hg19) VCF-style: chr14-21860017-T-C.
Other names: c.6023A>G, p.Lys2008Arg (NM_020920.4); short protein forms K2008R, K2287R.
Identifiers: ClinVar variation 2964141 (VCV002964141.4), dbSNP rs751700639, ClinGen allele CA257591530.

ClinVar aggregate classification (germline): Uncertain significance. Review status: criteria provided, multiple submitters, no conflicts (2 of 4 stars). 2 submissions from 2 submitters: Uncertain significance (2). Last evaluated 2025-08-18.

Allele frequency attached by ClinVar (database versions not stated): gnomAD exomes below 0.00001.
gnomAD v4.1: 1 of 1,613,102 alleles (0.000062%); highest among the groups gnomAD compares: Non-Finnish European, 0.000085%; no homozygotes.

Submissions (2):

Labcorp Genetics (formerly Invitae), Labcorp
Classification: Uncertain significance. Last evaluated: 2025-08-18. Review status: criteria provided, single submitter. Criteria: Invitae Variant Classification Sherloc (09022015). Collection method: clinical testing. Allele origin: germline.
Comment: This sequence change replaces lysine, which is basic and polar, with arginine, which is basic and polar, at codon 2287 of the CHD8 protein (p.Lys2287Arg). This variant is not present in population databases (gnomAD no frequency). This variant has not been reported in the literature in individuals affected with CHD8-related conditions. ClinVar contains an entry for this variant (Variation ID: 2964141). Invitae Evidence Modeling of protein sequence and biophysical properties (such as structural, functional, and spatial information, amino acid conservation, physicochemical variation, residue mobility, and thermodynamic stability) indicates that this missense variant is not expected to disrupt CHD8 protein function with a negative predictive value of 95%. In summary, the available evidence is currently insufficient to determine the role of this variant in disease. Therefore, it has been classified as a Variant of Uncertain Significance.

Breakthrough Genomics
Classification: Uncertain significance. Review status: criteria provided, single submitter. Criteria: ACMG Guidelines, 2015. Collection method: not provided. Allele origin: germline. Inheritance: Autosomal dominant inheritance. Affected: yes.